The following is an entry in ClinVar:

ClinVar aggregate classification (germline): Uncertain significance. Review status: criteria provided, multiple submitters, no conflicts (2 of 4 stars). 3 submissions from 3 submitters: Uncertain significance (3). Last evaluated 2025-08-28.

Conditions:
Aortic aneurysm, familial thoracic 7 (AAT7). Also called: AORTIC DISSECTION, FAMILIAL, WITH OR WITHOUT AORTIC ANEURYSM. Identifiers: MedGen C3151077, MONDO:0013418, OMIM 613780.
Familial thoracic aortic aneurysm and aortic dissection (TAAD). Also called: Thoracic aortic aneurysms and dissections. Identifiers: Orphanet 91387, MedGen C4707243, MONDO:0019625.

Allele frequency attached by ClinVar (database versions not stated): gnomAD exomes below 0.00001 and 0.00001; ExAC 0.00001; gnomAD 0.00001; TOPMed 0.00001.
gnomAD v4.1: 10 of 1,614,104 alleles (0.00062%); highest among the groups gnomAD compares: African/African-American, 0.0027%; no homozygotes.

Submissions (3):

Ambry Genetics
Classification: Uncertain significance for Familial thoracic aortic aneurysm and aortic dissection. Last evaluated: 2025-08-28. Review status: criteria provided, single submitter. Criteria: Ambry Variant Classification Scheme 2023. Collection method: clinical testing. Allele origin: germline.

Labcorp Genetics (formerly Invitae), Labcorp
Classification: Uncertain significance for Aortic aneurysm, familial thoracic 7. Last evaluated: 2025-02-11. Review status: criteria provided, single submitter. Criteria: Invitae Variant Classification Sherloc (09022015). Collection method: clinical testing. Allele origin: germline.
Comment: This sequence change replaces arginine, which is basic and polar, with glutamine, which is neutral and polar, at codon 1487 of the MYLK protein (p.Arg1487Gln). This variant is present in population databases (rs369356239, gnomAD 0.005%). This variant has not been reported in the literature in individuals affected with MYLK-related conditions. ClinVar contains an entry for this variant (Variation ID: 665568). Invitae Evidence Modeling of protein sequence and biophysical properties (such as structural, functional, and spatial information, amino acid conservation, physicochemical variation, residue mobility, and thermodynamic stability) indicates that this missense variant is not expected to disrupt MYLK protein function with a negative predictive value of 80%. In summary, the available evidence is currently insufficient to determine the role of this variant in disease. Therefore, it has been classified as a Variant of Uncertain Significance.

GeneDx
Classification: Uncertain significance. Last evaluated: 2024-09-04. Review status: criteria provided, single submitter. Criteria: GeneDx Variant Classification Process June 2021. Collection method: clinical testing. Allele origin: germline. Affected: yes.
Comment: Not observed at significant frequency in large population cohorts (gnomAD); In silico analysis indicates that this missense variant does not alter protein structure/function; Has not been previously published as pathogenic or benign to our knowledge

NM_053025.4(MYLK):c.4460G>A (p.Arg1487Gln)

Gene: MYLK (myosin light chain kinase; minus strand). Cytogenetic location: 3q21.1.
Variant type: single nucleotide variant.
Coding change: c.4460G>A on transcript NM_053025.4 (MANE Select); coding-DNA position 4460, G replaced by A.
Protein change: p.Arg1487Gln; replaces arginine 1487 with glutamine.
Molecular consequence: missense variant.
Genome position (GRCh38, 1-based): chr3:123,647,383, C>T on the plus strand (G>A on the coding strand, the complement: MYLK is on the minus strand). VCF-style: chr3-123647383-C-T. GRCh37 (hg19) VCF-style: chr3-123366230-C-T.
Other names: c.3932G>A, p.Arg1311Gln (NM_001321309.2); c.4253G>A, p.Arg1418Gln (NM_053026.4, NM_053028.4); c.4460G>A, p.Arg1487Gln (NM_053027.4); short protein forms R1311Q, R1418Q, R1487Q.
Identifiers: ClinVar variation 665568 (VCV000665568.10), dbSNP rs369356239, ClinGen allele CA071764.